The following is an entry in ClinVar:

NM_015404.4(WHRN):c.2182C>T (p.Arg728Cys)

Gene: WHRN (whirlin; minus strand). Cytogenetic location: 9q32.
Variant type: single nucleotide variant.
Coding change: c.2182C>T on transcript NM_015404.4 (MANE Select); coding-DNA position 2182, C replaced by T.
Protein change: p.Arg728Cys; replaces arginine 728 with cysteine.
Molecular consequence: missense variant.
Genome position (GRCh38, 1-based): chr9:114,406,409, G>A on the plus strand (C>T on the coding strand, the complement: WHRN is on the minus strand). VCF-style: chr9-114406409-G-A. GRCh37 (hg19) VCF-style: chr9-117168689-G-A.
Other names: c.1033C>T, p.Arg345Cys (NM_001083885.3); c.2182C>T, p.Arg728Cys (NM_001173425.2); c.1129C>T, p.Arg377Cys (NM_001346890.1); short protein forms R345C, R728C, R377C.
Identifiers: ClinVar variation 1036734 (VCV001036734.7), dbSNP rs371321396, ClinGen allele CA5205726.

ClinVar aggregate classification (germline): Uncertain significance. Review status: criteria provided, multiple submitters, no conflicts (2 of 4 stars). 2 submissions from 2 submitters: Uncertain significance (2). Last evaluated 2022-10-13.

Allele frequency attached by ClinVar (database versions not stated): gnomAD 0.00003; TOPMed 0.00003; ExAC 0.00006; gnomAD exomes 0.00006 and 0.00008; ESP Exome Variant Server 0.00008.
gnomAD v4.1: 132 of 1,614,044 alleles (0.0082%); highest among the groups gnomAD compares: Non-Finnish European, 0.0097%; no homozygotes.

Submissions (2):

Labcorp Genetics (formerly Invitae), Labcorp
Classification: Uncertain significance. Last evaluated: 2022-10-13. Review status: criteria provided, single submitter. Criteria: Invitae Variant Classification Sherloc (09022015). Collection method: clinical testing. Allele origin: germline.
Comment: This sequence change replaces arginine, which is basic and polar, with cysteine, which is neutral and slightly polar, at codon 728 of the WHRN protein (p.Arg728Cys). This variant is present in population databases (rs371321396, gnomAD 0.01%). This variant has not been reported in the literature in individuals affected with WHRN-related conditions. ClinVar contains an entry for this variant (Variation ID: 1036734). Algorithms developed to predict the effect of missense changes on protein structure and function are either unavailable or do not agree on the potential impact of this missense change (SIFT: "Deleterious"; PolyPhen-2: "Probably Damaging"; Align-GVGD: "Class C15"). In summary, the available evidence is currently insufficient to determine the role of this variant in disease. Therefore, it has been classified as a Variant of Uncertain Significance.

Blueprint Genetics
Classification: Uncertain significance. Last evaluated: 2021-12-08. Review status: criteria provided, single submitter. Criteria: ACMG Guidelines, 2015. Collection method: clinical testing. Allele origin: germline.